The following is an entry in ClinVar:

ClinVar aggregate classification (germline): Uncertain significance (1 of 4 stars; one submission).

Conditions:
Inborn genetic diseases. Identifiers: MedGen C0950123, MeSH D030342.

gnomAD v4.1: 1 of 1,613,996 alleles (0.000062%); highest among the groups gnomAD compares: African/African-American, 0.0013%; no homozygotes.

Submission:

Ambry Genetics
Classification: Uncertain significance for Inborn genetic diseases. Last evaluated: 2025-03-22. Review status: criteria provided, single submitter. Criteria: Ambry Variant Classification Scheme 2023. Collection method: clinical testing. Allele origin: germline.
Comment: The p.S458I variant (also known as c.1373G>T), located in coding exon 1 of the SAMD9 gene, results from a G to T substitution at nucleotide position 1373. The serine at codon 458 is replaced by isoleucine, an amino acid with dissimilar properties. This amino acid position is conserved. In addition, this alteration is predicted to be tolerated by in silico analysis. Based on the available evidence, the clinical significance of this variant remains unclear.

NM_017654.4(SAMD9):c.1373G>T (p.Ser458Ile)

Gene: SAMD9 (sterile alpha motif domain containing 9; minus strand). Cytogenetic location: 7q21.2.
Variant type: single nucleotide variant.
Coding change: c.1373G>T on transcript NM_017654.4 (MANE Select); coding-DNA position 1373, G replaced by T.
Protein change: p.Ser458Ile; replaces serine 458 with isoleucine.
Molecular consequence: missense variant.
Genome position (GRCh38, 1-based): chr7:93,104,725, C>A on the plus strand (G>T on the coding strand, the complement: SAMD9 is on the minus strand). VCF-style: chr7-93104725-C-A. GRCh37 (hg19) VCF-style: chr7-92734038-C-A.
Other names: c.1373G>T, p.Ser458Ile (NM_001193307.2); short protein forms S458I.
Identifiers: ClinVar variation 3949467 (VCV003949467.1).